The following is an entry in ClinVar:

NM_001130438.3(SPTAN1):c.237+5G>A

Gene: SPTAN1 (spectrin alpha, non-erythrocytic 1; plus strand). Cytogenetic location: 9q34.11.
Variant type: single nucleotide variant.
Coding change: c.237+5G>A on transcript NM_001130438.3 (MANE Select); 5 bases into the intron after coding-DNA position 237, G replaced by A.
Molecular consequence: intron variant.
Genome position (GRCh38, 1-based): chr9:128,566,982, G>A. VCF-style: chr9-128566982-G-A. GRCh37 (hg19) VCF-style: chr9-131329261-G-A.
Other names: c.273+5G>A (NM_001375318.1, NM_001375312.2); c.237+5G>A (NM_001375311.2, NM_001375314.2, NM_001375310.1 and 5 more transcripts).
Identifiers: ClinVar variation 949574 (VCV000949574.32), dbSNP rs747501430, ClinGen allele CA5264116.

ClinVar aggregate classification (germline): Likely benign. Review status: criteria provided, multiple submitters, no conflicts (2 of 4 stars). 2 submissions from 2 submitters: Likely benign (2). Last evaluated 2025-10-24.

Conditions:
Early-infantile DEE. Also called: Early infantile epileptic encephalopathy; Ohtahara syndrome; Early infantile epileptic encephalopathy with suppression bursts. Identifiers: Orphanet 1934, MedGen C0393706, MONDO:0800491.

Allele frequency attached by ClinVar (database versions not stated): ExAC 0.00001; gnomAD 0.00002; gnomAD exomes 0.00002; TOPMed 0.00002.
gnomAD v4.1: 30 of 1,613,850 alleles (0.0019%); highest among the groups gnomAD compares: African/African-American, 0.0053%; no homozygotes.

Submissions (2):

Labcorp Genetics (formerly Invitae), Labcorp
Classification: Likely benign for Early-infantile DEE. Last evaluated: 2025-10-24. Review status: criteria provided, single submitter. Criteria: Invitae Variant Classification Sherloc (09022015). Collection method: clinical testing. Allele origin: germline.

CeGaT Center for Human Genetics Tuebingen
Classification: Likely benign. Last evaluated: 2023-12-01. Review status: criteria provided, single submitter. Criteria: CeGaT Center For Human Genetics Tuebingen Variant Classification Criteria Version 2. Collection method: clinical testing. Allele origin: germline. Affected: yes. Observed: 1 variant allele.
Comment: SPTAN1: BP4